The following is an entry in ClinVar:

ClinVar aggregate classification (germline): Uncertain significance (1 of 4 stars; one submission).

Allele frequency attached by ClinVar (database versions not stated): gnomAD exomes below 0.00001 and 0.00001; TOPMed below 0.00001.
gnomAD v4.1: 2 of 1,614,006 alleles (0.00012%); highest among the groups gnomAD compares: African/African-American, 0.0013%; no homozygotes.

Submission:

Labcorp Genetics (formerly Invitae), Labcorp
Classification: Uncertain significance. Last evaluated: 2022-09-01. Review status: criteria provided, single submitter. Criteria: Invitae Variant Classification Sherloc (09022015). Collection method: clinical testing. Allele origin: germline.
Comment: In summary, the available evidence is currently insufficient to determine the role of this variant in disease. Therefore, it has been classified as a Variant of Uncertain Significance. Advanced modeling of protein sequence and biophysical properties (such as structural, functional, and spatial information, amino acid conservation, physicochemical variation, residue mobility, and thermodynamic stability) performed at Invitae indicates that this missense variant is expected to disrupt KMT2A protein function. ClinVar contains an entry for this variant (Variation ID: 1465656). This variant has not been reported in the literature in individuals affected with KMT2A-related conditions. This variant is present in population databases (no rsID available, gnomAD 0.007%). This sequence change replaces glycine, which is neutral and non-polar, with arginine, which is basic and polar, at codon 1919 of the KMT2A protein (p.Gly1919Arg).

NM_001197104.2(KMT2A):c.5755G>A (p.Gly1919Arg)

Gene: KMT2A (lysine methyltransferase 2A; plus strand). Cytogenetic location: 11q23.3.
Variant type: single nucleotide variant.
Coding change: c.5755G>A on transcript NM_001197104.2 (MANE Select); coding-DNA position 5755, G replaced by A.
Protein change: p.Gly1919Arg; replaces glycine 1919 with arginine.
Molecular consequence: missense variant.
Genome position (GRCh38, 1-based): chr11:118,498,026, G>A. VCF-style: chr11-118498026-G-A. GRCh37 (hg19) VCF-style: chr11-118368741-G-A.
Other names: c.5746G>A, p.Gly1916Arg (NM_005933.4); short protein forms G1919R, G1916R.
Identifiers: ClinVar variation 1465656 (VCV001465656.8), dbSNP rs1555044515, ClinGen allele CA382797985.